The following is an entry in ClinVar:

NM_005045.4(RELN):c.1554+5A>G

Gene: RELN (reelin; minus strand). Cytogenetic location: 7q22.1.
Variant type: single nucleotide variant.
Coding change: c.1554+5A>G on transcript NM_005045.4 (MANE Select); 5 bases into the intron after coding-DNA position 1554, A replaced by G.
Molecular consequence: intron variant.
Genome position (GRCh38, 1-based): chr7:103,654,088, T>C on the plus strand (A>G on the coding strand, the complement: RELN is on the minus strand). VCF-style: chr7-103654088-T-C. GRCh37 (hg19) VCF-style: chr7-103294535-T-C.
Other names: c.1554+5A>G (NM_005045.3, NM_173054.3).
Identifiers: ClinVar variation 1004298 (VCV001004298.7), dbSNP rs778678895, ClinGen allele CA4422240.
Genomic context (GRCh38, chr7:103,654,088, plus strand): 5'-TTTGACTTGGGCTTGTCCAGGGTGGTCTGAGGTGGTCTATTTGCCACACAGACTGGCATG[T>C]GTACCTTATATGAGGAATAGGAAAGGGTATCCAGTGTTATATGCTCTTTTCTTCCTTCAA-3'

ClinVar aggregate classification (germline): Conflicting classifications of pathogenicity. Review status: criteria provided, conflicting classifications (1 of 4 stars). 2 submissions from 2 submitters: Uncertain significance (1); Likely benign (1). Last evaluated 2025-06-28.

Conditions:
Familial temporal lobe epilepsy 7. Identifiers: Orphanet 101046, MedGen C4225327, MONDO:0014639, OMIM 616436.
Norman-Roberts syndrome (LIS2). Also called: Lissencephaly 2 (Norman-Roberts type). Identifiers: Orphanet 89844, MedGen C0796089, MONDO:0009760, OMIM 257320.
RELN-related disorder. Also called: RELN-related condition.

Allele frequency attached by ClinVar (database versions not stated): ExAC 0.00002; gnomAD 0.00003 and 0.00004; TOPMed 0.00003; gnomAD exomes 0.00004.
gnomAD v4.1: 38 of 1,514,394 alleles (0.0025%); highest among the groups gnomAD compares: Non-Finnish European, 0.0034%; no homozygotes.

Submissions (2):

PreventionGenetics, part of Exact Sciences
Classification: Likely benign for RELN-related condition. Last evaluated: 2025-06-28. Review status: criteria provided, single submitter. Criteria: ACMG Guidelines, 2015. Collection method: clinical testing. Allele origin: germline.
Comment: This variant is classified as likely benign based on ACMG/AMP sequence variant interpretation guidelines (Richards et al. 2015 PMID: 25741868, with internal and published modifications).

Labcorp Genetics (formerly Invitae), Labcorp
Classification: Uncertain significance for Familial temporal lobe epilepsy 7; Norman-Roberts syndrome. Last evaluated: 2024-12-07. Review status: criteria provided, single submitter. Criteria: Invitae Variant Classification Sherloc (09022015). Collection method: clinical testing. Allele origin: germline.
Comment: This sequence change falls in intron 13 of the RELN gene. It does not directly change the encoded amino acid sequence of the RELN protein. It affects a nucleotide within the consensus splice site. This variant is present in population databases (rs778678895, gnomAD 0.007%). This variant has not been reported in the literature in individuals affected with RELN-related conditions. ClinVar contains an entry for this variant (Variation ID: 1004298). Variants that disrupt the consensus splice site are a relatively common cause of aberrant splicing (PMID: 17576681, 9536098). Algorithms developed to predict the effect of sequence changes on RNA splicing suggest that this variant is not likely to affect RNA splicing. In summary, the available evidence is currently insufficient to determine the role of this variant in disease. Therefore, it has been classified as a Variant of Uncertain Significance.

Literature cited by the submitters: PubMed 17576681 (cited by Labcorp Genetics (formerly Invitae), Labcorp); PubMed 9536098 (cited by Labcorp Genetics (formerly Invitae), Labcorp).